The following is an entry in ClinVar:

NM_001365276.2(TNXB):c.3288C>A (p.Tyr1096Ter)

Gene: TNXB (tenascin XB; minus strand). Cytogenetic location: 6p21.33.
Variant type: single nucleotide variant.
Coding change: c.3288C>A on transcript NM_001365276.2 (MANE Select); coding-DNA position 3288, C replaced by A.
Protein change: p.Tyr1096Ter; replaces tyrosine 1096 with a stop codon.
Molecular consequence: nonsense.
Genome position (GRCh38, 1-based): chr6:32,084,570, G>T on the plus strand (C>A on the coding strand, the complement: TNXB is on the minus strand). VCF-style: chr6-32084570-G-T. GRCh37 (hg19) VCF-style: chr6-32052347-G-T.
Other names: c.4029C>A, p.Tyr1343Ter (NM_001428335.1); c.3288C>A, p.Tyr1096Ter (NM_019105.8); short protein forms Y1096*, Y1343*.
Identifiers: ClinVar variation 5014735 (VCV005014735.1).
Genomic context (GRCh38, chr6:32,084,570, plus strand): 5'-GACGGCCGAGCGCTGGGGTCCTTCCACGGGCACCACCTGGGGCTGCCCGTCCCTGTCTTT[G>T]TACTGGATCACGAAGGAGTCAAACTCGCCCTCGGGGACCGTCCAGCGCAGGAGCAAGGAG-3'

ClinVar aggregate classification (germline): Pathogenic (1 of 4 stars; one submission).

Conditions:
Ehlers-Danlos syndrome due to tenascin-X deficiency (EDSCLL1). Also called: EDS DUE TO TNX DEFICIENCY; TNX DEFICIENCY; Ehlers-Danlos syndrome, classic-like, 1; EHLERS-DANLOS SYNDROME, CLASSIC-LIKE; TNXB-Related Classical-Like Ehlers-Danlos Syndrome. Identifiers: Orphanet 230839, MedGen C1848029, MONDO:0011670, OMIM 606408.

Submission:

Myriad Genetics, Inc.
Classification: Pathogenic for Ehlers-Danlos syndrome due to tenascin-X deficiency. Last evaluated: 2025-07-14. Review status: criteria provided, single submitter. Criteria: Myriad Autosomal Dominant, Autosomal Recessive and X-Linked Classification Criteria (2023). Collection method: clinical testing. Allele origin: unknown.
Comment: NM_019105.6(TNXB):c.3288C>A(Y1096*) is expected to be pathogenic in the context of classical-like Ehlers-Danlos syndrome, TNXB-related. This variant is predicted to lead to an abnormal or absent protein product due to the creation of a premature termination codon in TNXB, a gene where loss-of-function variants are known to be pathogenic. Please note: this variant was assessed in the context of healthy population screening.